The following is an entry in ClinVar:

ClinVar aggregate classification (germline): Uncertain significance (1 of 4 stars; one submission).

Submission:

Women's Health and Genetics/Laboratory Corporation of America, LabCorp
Classification: Uncertain significance. Last evaluated: 2025-10-30. Review status: criteria provided, single submitter. Criteria: LabCorp Variant Classification Summary - May 2015. Collection method: clinical testing. Allele origin: germline.
Comment: Variant summary: KDM6B c.3156_3157delinsAA (p.Pro1053Thr) results in a non-conservative amino acid change located in a proline-rich region (amino acids 1047-1067; UniProt) of the encoded protein. Algorithms developed to predict the effect of missense changes on protein structure and function are either unavailable or do not agree on the potential impact of this missense change. The variant was absent in 1605564 control chromosomes (gnomAD). The available data on variant occurrences in the general population are insufficient to allow any conclusion about variant significance. To our knowledge, no occurrence of c.3156_3157delinsAA in individuals affected with KDM6B-related conditions and no experimental evidence demonstrating its impact on protein function have been reported. No submitters have cited clinical-significance assessments for this variant to ClinVar. Based on the evidence outlined above, the variant was classified as uncertain significance.

NM_001348716.2(KDM6B):c.3156_3157delinsAA (p.Pro1053Thr)

Gene: KDM6B (lysine demethylase 6B; plus strand). Cytogenetic location: 17p13.1.
Variant type: Indel.
Coding change: c.3156_3157delinsAA on transcript NM_001348716.2 (MANE Select); coding-DNA positions 3156 to 3157, TC replaced by AA.
Protein change: p.Pro1053Thr; replaces proline 1053 with threonine.
Molecular consequence: missense variant.
Genome position (GRCh38, 1-based): chr17:7,849,444-7,849,445, TC replaced by AA. VCF-style: chr17-7849444-TC-AA. GRCh37 (hg19) VCF-style: chr17-7752762-TC-AA.
Other names: c.3156_3157delinsAA, p.Pro1053Thr (NM_001080424.2); short protein forms P1053T.
Identifiers: ClinVar variation 4687217 (VCV004687217.1).